The following is an entry in ClinVar:

ClinVar aggregate classification (germline): Uncertain significance (1 of 4 stars; one submission).

Allele frequency attached by ClinVar (database versions not stated): ExAC 0.00001; TOPMed 0.00001.
gnomAD v4.1: 15 of 1,608,638 alleles (0.00093%); highest among the groups gnomAD compares: Admixed American, 0.0017%; no homozygotes.

Submission:

Women's Health and Genetics/Laboratory Corporation of America, LabCorp
Classification: Uncertain significance. Last evaluated: 2023-05-23. Review status: criteria provided, single submitter. Criteria: LabCorp Variant Classification Summary - May 2015. Collection method: clinical testing. Allele origin: germline.
Comment: Variant summary: SPG7 c.1636G>A (p.Glu546Lys) results in a conservative amino acid change located in the AAA ATPase, AAA+ lid domain (IPR041569) of the encoded protein sequence. Four of five in-silico tools predict a damaging effect of the variant on protein function. The variant allele was found at a frequency of 1.2e-05 in 246174 control chromosomes (gnomAD). The available data on variant occurrences in the general population are insufficient to allow any conclusion about variant significance. c.1636G>A has been reported in the literature in the heterozygous state in an individual affected with Spastic Paraplegia (Arnoldi_2008). These reports do not provide unequivocal conclusions about association of the variant with Hereditary Spastic Paraplegia 7. To our knowledge, no experimental evidence demonstrating an impact on protein function has been reported. The following publications have been ascertained in the context of this evaluation (PMID: 18200586, 29790871). No clinical diagnostic laboratories have submitted clinical-significance assessments for this variant to ClinVar after 2014. Based on the evidence outlined above, the variant was classified as uncertain significance.

Literature cited by the submitters: PubMed 18200586; PubMed 29790871.

NM_003119.4(SPG7):c.1636G>A (p.Glu546Lys)

Gene: SPG7 (SPG7 matrix AAA peptidase subunit, paraplegin; plus strand). Cytogenetic location: 16q24.3.
Variant type: single nucleotide variant.
Coding change: c.1636G>A on transcript NM_003119.4 (MANE Select); coding-DNA position 1636, G replaced by A.
Protein change: p.Glu546Lys; replaces glutamic acid 546 with lysine.
Molecular consequence: missense variant.
Genome position (GRCh38, 1-based): chr16:89,548,086, G>A. VCF-style: chr16-89548086-G-A. GRCh37 (hg19) VCF-style: chr16-89614494-G-A.
Other names: c.1636G>A, p.Glu546Lys (NM_001363850.1); short protein forms E546K.
Identifiers: ClinVar variation 2506287 (VCV002506287.1), dbSNP rs773806649, ClinGen allele CA8244290.